The following is an entry in ClinVar:

ClinVar aggregate classification (germline): Conflicting classifications of pathogenicity. Review status: criteria provided, conflicting classifications (1 of 4 stars). 3 submissions from 3 submitters: Uncertain significance (2); Likely benign (1). Last evaluated 2021-11-07.

Conditions:
Mowat-Wilson syndrome (MOWS). Also called: Classic Mowat-Wilson Syndrome. Identifiers: Orphanet 2152, MedGen C1856113, MONDO:0009341, OMIM 235730.

Allele frequency attached by ClinVar (database versions not stated): ExAC 0.00001; gnomAD exomes 0.00001.

Submissions (3):

Genome-Nilou Lab
Classification: Uncertain significance for Mowat-Wilson syndrome. Last evaluated: 2021-11-07. Review status: criteria provided, single submitter. Criteria: ACMG Guidelines, 2015. Collection method: clinical testing. Allele origin: germline. Affected: no.

GeneDx
Classification: Likely benign. Last evaluated: 2016-08-09. Review status: criteria provided, single submitter. Criteria: GeneDx Variant Classification (06012015). Collection method: clinical testing. Allele origin: germline. Affected: yes.
Comment: This variant is considered likely benign or benign based on one or more of the following criteria: it is a conservative change, it occurs at a poorly conserved position in the protein, it is predicted to be benign by multiple in silico algorithms, and/or has population frequency not consistent with disease.

Eurofins Ntd Llc (ga)
Classification: Uncertain significance. Last evaluated: 2014-07-30. Review status: criteria provided, single submitter. Criteria: EGL Classification Definitions 2015. Collection method: clinical testing. Allele origin: germline. Observed: 1 variant allele, 1 heterozygote.

NM_014795.4(ZEB2):c.773G>A (p.Arg258Gln)

Gene: ZEB2 (zinc finger E-box binding homeobox 2; minus strand). Cytogenetic location: 2q22.3.
Variant type: single nucleotide variant.
Coding change: c.773G>A on transcript NM_014795.4 (MANE Select); coding-DNA position 773, G replaced by A.
Protein change: p.Arg258Gln; replaces arginine 258 with glutamine.
Molecular consequence: missense variant.
Genome position (GRCh38, 1-based): chr2:144,403,950, C>T on the plus strand (G>A on the coding strand, the complement: ZEB2 is on the minus strand). VCF-style: chr2-144403950-C-T. GRCh37 (hg19) VCF-style: chr2-145161517-C-T.
Other names: p.R258Q:CGG>CAG; c.701G>A, p.Arg234Gln (NM_001171653.2); short protein forms R258Q, R234Q.
Identifiers: ClinVar variation 181708 (VCV000181708.7), dbSNP rs730881173, ClinGen allele CA246746.